The following is an entry in ClinVar:

NM_002470.4(MYH3):c.4593A>C (p.Arg1531Ser)

Gene: MYH3 (myosin heavy chain 3; minus strand). Cytogenetic location: 17p13.1.
Variant type: single nucleotide variant.
Coding change: c.4593A>C on transcript NM_002470.4 (MANE Select); coding-DNA position 4593, A replaced by C.
Protein change: p.Arg1531Ser; replaces arginine 1531 with serine.
Molecular consequence: missense variant.
Genome position (GRCh38, 1-based): chr17:10,633,645, T>G on the plus strand (A>C on the coding strand, the complement: MYH3 is on the minus strand). VCF-style: chr17-10633645-T-G. GRCh37 (hg19) VCF-style: chr17-10536962-T-G.
Other names: short protein forms R1531S.
Identifiers: ClinVar variation 1714428 (VCV001714428.5), dbSNP rs2508575973, ClinGen allele CA398141159.

ClinVar aggregate classification (germline): Uncertain significance (1 of 4 stars; one submission).

Submission:

Labcorp Genetics (formerly Invitae), Labcorp
Classification: Uncertain significance. Last evaluated: 2022-12-06. Review status: criteria provided, single submitter. Criteria: Invitae Variant Classification Sherloc (09022015). Collection method: clinical testing. Allele origin: germline.
Comment: In summary, the available evidence is currently insufficient to determine the role of this variant in disease. Therefore, it has been classified as a Variant of Uncertain Significance. Advanced modeling of protein sequence and biophysical properties (such as structural, functional, and spatial information, amino acid conservation, physicochemical variation, residue mobility, and thermodynamic stability) performed at Invitae indicates that this missense variant is not expected to disrupt MYH3 protein function. ClinVar contains an entry for this variant (Variation ID: 1714428). This variant has not been reported in the literature in individuals affected with MYH3-related conditions. This variant is not present in population databases (gnomAD no frequency). This sequence change replaces arginine, which is basic and polar, with serine, which is neutral and polar, at codon 1531 of the MYH3 protein (p.Arg1531Ser).